The following is an entry in ClinVar:

NM_001918.5(DBT):c.86T>C (p.Val29Ala)

Gene: DBT (dihydrolipoamide branched chain transacylase E2; minus strand). Cytogenetic location: 1p21.2.
Variant type: single nucleotide variant.
Coding change: c.86T>C on transcript NM_001918.5 (MANE Select); coding-DNA position 86, T replaced by C.
Protein change: p.Val29Ala; replaces valine 29 with alanine.
Molecular consequence: missense variant.
Genome position (GRCh38, 1-based): chr1:100,240,850, A>G on the plus strand (T>C on the coding strand, the complement: DBT is on the minus strand). VCF-style: chr1-100240850-A-G. GRCh37 (hg19) VCF-style: chr1-100706406-A-G.
Other names: short protein forms V29A.
Identifiers: ClinVar variation 1399675 (VCV001399675.6), dbSNP rs1473273369, ClinGen allele CA341347065.

ClinVar aggregate classification (germline): Uncertain significance. Review status: criteria provided, multiple submitters, no conflicts (2 of 4 stars). 2 submissions from 2 submitters: Uncertain significance (2). Last evaluated 2022-09-27.

Conditions:
Maple syrup urine disease (MSUD). Identifiers: Orphanet 511, MedGen C0024776, MeSH D008375, MONDO:0009563. Disease mechanism: loss of function.

Allele frequency attached by ClinVar (database versions not stated): gnomAD exomes below 0.00001 and 0.00001.
gnomAD v4.1: 12 of 1,612,820 alleles (0.00074%); highest among the groups gnomAD compares: Non-Finnish European, 0.001%; no homozygotes.

Submissions (2):

Labcorp Genetics (formerly Invitae), Labcorp
Classification: Uncertain significance for Maple syrup urine disease. Last evaluated: 2022-09-27. Review status: criteria provided, single submitter. Criteria: Invitae Variant Classification Sherloc (09022015). Collection method: clinical testing. Allele origin: germline.
Comment: This sequence change replaces valine, which is neutral and non-polar, with alanine, which is neutral and non-polar, at codon 29 of the DBT protein (p.Val29Ala). This variant is present in population databases (no rsID available, gnomAD 0.0009%). This variant has not been reported in the literature in individuals affected with DBT-related conditions. ClinVar contains an entry for this variant (Variation ID: 1399675). Advanced modeling of protein sequence and biophysical properties (such as structural, functional, and spatial information, amino acid conservation, physicochemical variation, residue mobility, and thermodynamic stability) performed at Invitae indicates that this missense variant is not expected to disrupt DBT protein function. In summary, the available evidence is currently insufficient to determine the role of this variant in disease. Therefore, it has been classified as a Variant of Uncertain Significance.

Breakthrough Genomics
Classification: Uncertain significance. Review status: criteria provided, single submitter. Criteria: ACMG Guidelines, 2015. Collection method: not provided. Allele origin: germline. Inheritance: Autosomal recessive inheritance. Affected: yes.